The following is an entry in ClinVar:

NM_001267550.2(TTN):c.87367del (p.Ser29123fs)

Genes: TTN-AS1 (TTN antisense RNA 1; plus strand), TTN (titin; minus strand). Cytogenetic location: 2q31.2.
Variant type: Deletion.
Coding change: c.87367del on transcript NM_001267550.2 (MANE Select); coding-DNA position 87367, one base deleted (A; older notation c.87367delA).
Protein change: p.Ser29123fs; shifts the reading frame from serine 29123.
Molecular consequence: frameshift variant.
Genome position (GRCh38, 1-based): chr2:178,557,987, T deleted on the plus strand (A on the coding strand, the reverse complement: TTN is on the minus strand). VCF-style (leftmost placement, unchanged base first): chr2-178557986-CT-C. GRCh37 (hg19) VCF-style: chr2-179422713-CT-C.
Other names: c.82444del, p.Ser27482fs (NM_001256850.1); c.60172del, p.Ser20058fs (NM_003319.4); c.79663del, p.Ser26555fs (NM_133378.4); c.60547del, p.Ser20183fs (NM_133432.3); c.60748del, p.Ser20250fs (NM_133437.4); short protein forms S20058fs, S20183fs, S20250fs, S26555fs, S27482fs, S29123fs.
Identifiers: ClinVar variation 3755611 (VCV003755611.2).

ClinVar aggregate classification (germline): Likely pathogenic (1 of 4 stars; one submission).

Conditions:
Dilated cardiomyopathy 1G (CMD1G). Identifiers: Orphanet 154, MedGen C1858763, MONDO:0011400, OMIM 604145.
Autosomal recessive limb-girdle muscular dystrophy type 2J (LGMDR10). Also called: Limb-girdle muscular dystrophy, type 2J; MUSCULAR DYSTROPHY, LIMB-GIRDLE, AUTOSOMAL RECESSIVE 10. Identifiers: Orphanet 140922, MedGen C1837342, MONDO:0012127, OMIM 608807.

Submission:

Labcorp Genetics (formerly Invitae), Labcorp
Classification: Likely pathogenic for Dilated cardiomyopathy 1G; Autosomal recessive limb-girdle muscular dystrophy type 2J. Last evaluated: 2024-04-09. Review status: criteria provided, single submitter. Criteria: Invitae Variant Classification Sherloc (09022015). Collection method: clinical testing. Allele origin: germline.
Comment: This sequence change creates a premature translational stop signal (p.Ser29123Valfs*13) in the TTN gene. While this is not anticipated to result in nonsense mediated decay, it is expected to create a truncated TTN protein. This variant is not present in population databases (gnomAD no frequency). This variant has not been reported in the literature in individuals affected with TTN-related conditions. This variant is located in the A band of TTN (PMID: 25589632). Truncating variants in this region are significantly overrepresented in patients affected with dilated cardiomyopathy (PMID: 25589632). Truncating variants in this region have also been reported in individuals affected with autosomal recessive centronuclear myopathy (PMID: 23975875). In summary, the currently available evidence indicates that the variant is pathogenic, but additional data are needed to prove that conclusively. Therefore, this variant has been classified as Likely Pathogenic.

Literature cited by the submitters: PubMed 25589632; PubMed 23975875.